The following is an entry in ClinVar:

NM_005912.3(MC4R):c.496G>C (p.Val166Leu)

Gene: MC4R (melanocortin 4 receptor; minus strand). Cytogenetic location: 18q21.32.
Variant type: single nucleotide variant.
Coding change: c.496G>C on transcript NM_005912.3 (MANE Select); coding-DNA position 496, G replaced by C.
Protein change: p.Val166Leu; replaces valine 166 with leucine.
Molecular consequence: missense variant.
Genome position (GRCh38, 1-based): chr18:60,371,854, C>G on the plus strand (G>C on the coding strand, the complement: MC4R is on the minus strand). VCF-style: chr18-60371854-C-G. GRCh37 (hg19) VCF-style: chr18-58039087-C-G.
Other names: c.496G>C (NM_005912.2); short protein forms V166L.
Identifiers: ClinVar variation 3647487 (VCV003647487.3).
Genomic context (GRCh38, chr18:60,371,854, plus strand): 5'-TGATGAACAAAATGCCTGAAACCGTGCAAGCTGCCCAGATACAACTTATGATGATCCCAA[C>G]CCGCTTAACTGTCATAATGTTATGGTACTGGAGAGCATAGAAGATAGTAAAGTACCTGTC-3'
Protein context (NP_005903.2, residues 156-176): QYHNIMTVKR[Val166Leu]GIIISCIWAA

ClinVar aggregate classification (germline): Uncertain significance. Review status: criteria provided, multiple submitters, no conflicts (2 of 4 stars). 2 submissions from 2 submitters: Uncertain significance (2). Last evaluated 2026-05-19.

Conditions:
MC4R-related disorder. Also called: MC4R-related condition.

Submissions (2):

PreventionGenetics, part of Exact Sciences
Classification: Uncertain significance for MC4R-related condition. Last evaluated: 2026-05-19. Review status: criteria provided, single submitter. Criteria: ACMG Guidelines, 2015. Collection method: clinical testing. Allele origin: germline.
Comment: The MC4R c.496G>C variant is predicted to result in the amino acid substitution p.Val166Leu. To our knowledge, this variant has not been reported in the literature or in a large population database (gnomAD), indicating this variant is rare. At this time, the clinical significance of this variant is uncertain due to the absence of conclusive functional and genetic evidence.

Labcorp Genetics (formerly Invitae), Labcorp
Classification: Uncertain significance. Last evaluated: 2025-02-06. Review status: criteria provided, single submitter. Criteria: Invitae Variant Classification Sherloc (09022015). Collection method: clinical testing. Allele origin: germline.
Comment: This sequence change replaces valine, which is neutral and non-polar, with leucine, which is neutral and non-polar, at codon 166 of the MC4R protein (p.Val166Leu). This variant is not present in population databases (gnomAD no frequency). This variant has not been reported in the literature in individuals affected with MC4R-related conditions. Invitae Evidence Modeling of protein sequence and biophysical properties (such as structural, functional, and spatial information, amino acid conservation, physicochemical variation, residue mobility, and thermodynamic stability) indicates that this missense variant is not expected to disrupt MC4R protein function with a negative predictive value of 80%. In summary, the available evidence is currently insufficient to determine the role of this variant in disease. Therefore, it has been classified as a Variant of Uncertain Significance.